The following is an entry in ClinVar:

NM_000179.3(MSH6):c.2099T>G (p.Leu700Arg)

Gene: MSH6 (mutS homolog 6; plus strand). Cytogenetic location: 2p16.3.
Variant type: single nucleotide variant.
Coding change: c.2099T>G on transcript NM_000179.3 (MANE Select); coding-DNA position 2099, T replaced by G.
Protein change: p.Leu700Arg; replaces leucine 700 with arginine.
Molecular consequence: missense variant. On other transcripts: non-coding transcript variant (5), intron variant (2).
Genome position (GRCh38, 1-based): chr2:47,800,082, T>G. VCF-style: chr2-47800082-T-G. GRCh37 (hg19) VCF-style: chr2-48027221-T-G.
Other names: c.1709T>G, p.Leu570Arg (NM_001281492.2); c.1193T>G, p.Leu398Arg (NM_001281493.2, NM_001281494.2, NM_001406811.1 and 6 more transcripts); c.2195T>G, p.Leu732Arg (NM_001406795.1, NM_001406802.1); c.2099T>G, p.Leu700Arg (NM_001406796.1, NM_001406798.1, NM_001406800.1 and 3 more transcripts); c.1802T>G, p.Leu601Arg (NM_001406797.1, NM_001406801.1, NM_001406805.1 and 10 more transcripts); c.1574T>G, p.Leu525Arg (NM_001406799.1, NM_001406806.1, NM_001406807.1); c.2021T>G, p.Leu674Arg (NM_001406804.1); c.2105T>G, p.Leu702Arg (NM_001406813.1); and 3 more; short protein forms L398R, L525R, L570R, L601R, L644R, L674R, L700R, L702R.
Identifiers: ClinVar variation 3071775 (VCV003071775.2), dbSNP rs2104388654, ClinGen allele CA346750896.

ClinVar aggregate classification (germline): Uncertain significance. Review status: criteria provided, multiple submitters, no conflicts (2 of 4 stars). 2 submissions from 2 submitters: Uncertain significance (2). Last evaluated 2023-12-26.

Conditions:
Lynch syndrome. Identifiers: Orphanet 144, MedGen C4552100, MONDO:0005835. Disease mechanism: loss of function.

Submissions (2):

GeneDx
Classification: Uncertain significance. Last evaluated: 2023-12-26. Review status: criteria provided, single submitter. Criteria: GeneDx Variant Classification Process June 2021. Collection method: clinical testing. Allele origin: germline. Affected: yes.
Comment: Not observed at significant frequency in large population cohorts (gnomAD); In silico analysis supports that this missense variant has a deleterious effect on protein structure/function; Has not been previously published as pathogenic or benign to our knowledge; This variant is associated with the following publications: (PMID: 17531815, 21120944)

All of Us Research Program, National Institutes of Health
Classification: Uncertain significance for Lynch syndrome. Last evaluated: 2023-06-26. Review status: criteria provided, single submitter. Criteria: ACMG Guidelines, 2015. Collection method: clinical testing. Allele origin: germline. Inheritance: Autosomal dominant inheritance. Observed: 1 variant allele, 1 heterozygote.
Comment: This missense variant replaces leucine with arginine at codon 700 of the MSH6 protein. Computational prediction suggests that this variant may have deleterious impact on protein structure and function (internally defined REVEL score threshold >= 0.7, PMID: 27666373). To our knowledge, functional studies have not been reported for this variant. This variant has not been reported in individuals affected with MSH6-related disorders in the literature. This variant has not been identified in the general population by the Genome Aggregation Database (gnomAD). The available evidence is insufficient to determine the role of this variant in disease conclusively. Therefore, this variant is classified as a Variant of Uncertain Significance.

This study involves interpretation of variants in research participants for the purpose of population health screening. Participant phenotype was not available at the time of variant classification. Additional details can be found in publication PMID: 35346344, PMCID: PMC8962531